The following is an entry in ClinVar:

ClinVar aggregate classification (germline): Uncertain significance (1 of 4 stars; one submission).

Conditions:
Congenital hyperammonemia, type I. Also called: CPS I DEFICIENCY; Carbamoyl-phosphate synthase I deficiency; Carbamoyl phosphate synthetase I deficiency disease; Carbamoyl phosphate synthetase 1 deficiency; Hyperammonemia due to carbamoyl phosphate synthetase 1 deficiency; CPS 1 deficiency. Identifiers: Orphanet 147, MedGen C4082171, MONDO:0009376, OMIM 237300.

Submission:

Labcorp Genetics (formerly Invitae), Labcorp
Classification: Uncertain significance for Congenital hyperammonemia, type I. Last evaluated: 2025-10-22. Review status: criteria provided, single submitter. Criteria: Invitae Variant Classification Sherloc (09022015). Collection method: clinical testing. Allele origin: germline.
Comment: This sequence change replaces threonine, which is neutral and polar, with arginine, which is basic and polar, at codon 218 of the CPS1 protein (p.Thr218Arg). This variant is not present in population databases (gnomAD no frequency). This variant has not been reported in the literature in individuals affected with CPS1-related conditions. Invitae Evidence Modeling of protein sequence and biophysical properties (such as structural, functional, and spatial information, amino acid conservation, physicochemical variation, residue mobility, and thermodynamic stability) indicates that this missense variant is not expected to disrupt CPS1 protein function with a negative predictive value of 95%. In summary, the available evidence is currently insufficient to determine the role of this variant in disease. Therefore, it has been classified as a Variant of Uncertain Significance.

NM_001875.5(CPS1):c.653C>G (p.Thr218Arg)

Gene: CPS1 (carbamoyl-phosphate synthase 1; plus strand). Cytogenetic location: 2q34.
Variant type: single nucleotide variant.
Coding change: c.653C>G on transcript NM_001875.5 (MANE Select); coding-DNA position 653, C replaced by G.
Protein change: p.Thr218Arg; replaces threonine 218 with arginine.
Molecular consequence: missense variant. On other transcripts: non-coding transcript variant (1).
Genome position (GRCh38, 1-based): chr2:210,588,089, C>G. VCF-style: chr2-210588089-C-G. GRCh37 (hg19) VCF-style: chr2-211452813-C-G.
Other names: c.653C>G, p.Thr218Arg (NM_001122633.3, NM_001369257.1); c.686C>G, p.Thr229Arg (NM_001369256.1); short protein forms T218R, T229R.
Identifiers: ClinVar variation 4800340 (VCV004800340.1).